The following is an entry in ClinVar:

ClinVar aggregate classification (germline): Likely benign (1 of 4 stars; one submission).

Conditions:
FGD4-related disorder. Also called: FGD4-related condition.

gnomAD v4.1: 42 of 1,609,230 alleles (0.0026%); highest among the groups gnomAD compares: Middle Eastern, 0.033%; no homozygotes.

Submission:

PreventionGenetics, part of Exact Sciences
Classification: Likely benign for FGD4-related condition. Last evaluated: 2026-03-23. Review status: criteria provided, single submitter. Criteria: ACMG Guidelines, 2015. Collection method: clinical testing. Allele origin: germline.
Comment: This variant is classified as likely benign based on ACMG/AMP sequence variant interpretation guidelines (Richards et al. 2015 PMID: 25741868, with internal and published modifications).

NM_001370298.3(FGD4):c.2454+66C>T

Gene: FGD4 (FYVE, RhoGEF and PH domain containing 4; plus strand). Cytogenetic location: 12p11.21.
Variant type: single nucleotide variant.
Coding change: c.2454+66C>T on transcript NM_001370298.3 (MANE Select); 66 bases into the intron after coding-DNA position 2454, C replaced by T.
Molecular consequence: intron variant. On other transcripts: synonymous variant (1).
Genome position (GRCh38, 1-based): chr12:32,638,861, C>T. VCF-style: chr12-32638861-C-T. GRCh37 (hg19) VCF-style: chr12-32791795-C-T.
Other names: c.1365C>T, p.Ser455= (NM_001304483.2); c.2454+66C>T (NM_001384126.1); c.2298+66C>T (NM_001304481.2); c.1764+66C>T (NM_001330374.2, NM_001330373.2, NM_001384130.1); c.2043+66C>T (NM_139241.3, NM_001384127.1, NM_001385118.1 and 1 more transcripts); c.1011+66C>T (NM_001304484.2); c.1491+66C>T (NM_001370297.1).
Identifiers: ClinVar variation 4978197 (VCV004978197.1).